The following is an entry in ClinVar:

NM_020433.5(JPH2):c.2073T>C (p.Phe691=)

Gene: JPH2 (junctophilin 2; minus strand). Cytogenetic location: 20q13.12.
Variant type: single nucleotide variant.
Coding change: c.2073T>C on transcript NM_020433.5 (MANE Select); coding-DNA position 2073, T replaced by C.
Protein change: p.Phe691=; no amino-acid change (phenylalanine 691 retained).
Molecular consequence: synonymous variant.
Genome position (GRCh38, 1-based): chr20:44,114,814, A>G on the plus strand (T>C on the coding strand, the complement: JPH2 is on the minus strand). VCF-style: chr20-44114814-A-G. GRCh37 (hg19) VCF-style: chr20-42743454-A-G.
Other names: p.F691F:TTT>TTC; p.Phe691=.
Identifiers: ClinVar variation 137611 (VCV000137611.25), dbSNP rs6093935, ClinGen allele CA333099.

ClinVar aggregate classification (germline): Benign. Review status: criteria provided, multiple submitters, no conflicts (2 of 4 stars). 10 submissions from 10 submitters: Benign (9). 1 of the submissions does not count toward it. Last evaluated 2026-02-04.

Conditions:
Cardiovascular phenotype. Identifiers: MedGen CN230736.
Hypertrophic cardiomyopathy 17. Identifiers: MedGen C3151264, MONDO:0013474, OMIM 613873.
Hypertrophic cardiomyopathy. Also called: HYPERTROPHIC MYOCARDIOPATHY. Identifiers: Orphanet 217569, MedGen C0007194, MeSH D002312, MONDO:0005045, HP:0001639.

Allele frequency attached by ClinVar (database versions not stated): gnomAD 0.33656 and 0.32358; 1000 Genomes Project 30x 0.26093; 1000 Genomes Project 0.25739; TOPMed 0.32660; ESP Exome Variant Server 0.35443; gnomAD exomes 0.24809; ExAC 0.31196.
gnomAD v4.1: 475,432 of 1,604,238 alleles (30%); highest among the groups gnomAD compares: African/African-American, 46%; 75,081 homozygotes.

Submissions (10):

Labcorp Genetics (formerly Invitae), Labcorp
Classification: Benign for Hypertrophic cardiomyopathy. Last evaluated: 2026-02-04. Review status: criteria provided, single submitter. Criteria: Invitae Variant Classification Sherloc (09022015). Collection method: clinical testing. Allele origin: germline.

Molecular Diagnostic Laboratory for Inherited Cardiovascular Disease, Montreal Heart Institute
Classification: Benign. Last evaluated: 2025-04-09. Review status: criteria provided, single submitter. Criteria: ACMG Guidelines, 2015. Collection method: clinical testing. Allele origin: germline. Affected: no.

Blueprint Genetics
Classification: Benign. Last evaluated: 2024-11-28. Review status: criteria provided, single submitter. Criteria: ACMG Guidelines, 2015. Collection method: clinical testing. Allele origin: germline.

Mayo Clinic Laboratories, Mayo Clinic
Classification: Benign. Last evaluated: 2022-04-26. Review status: criteria provided, single submitter. Criteria: ACMG Guidelines, 2015. Collection method: clinical testing. Allele origin: germline. Observed: 496 variant alleles.

Clinical Genetics DNA and cytogenetics Diagnostics Lab, Erasmus MC, Erasmus Medical Center
Classification: Benign for Hypertrophic cardiomyopathy 17. Last evaluated: 2015-09-21. Review status: criteria provided, single submitter. Criteria: ACGS Guidelines, 2013. Collection method: clinical testing. Allele origin: germline. Affected: yes. Study: VKGL Data-share Consensus.

Ambry Genetics
Classification: Benign for Cardiovascular phenotype. Last evaluated: 2015-06-15. Review status: criteria provided, single submitter. Criteria: Ambry Variant Classification Scheme 2023. Collection method: clinical testing. Allele origin: germline.

Laboratory for Molecular Medicine, Mass General Brigham Personalized Medicine
Classification: Benign. Last evaluated: 2014-11-24. Review status: criteria provided, single submitter. Criteria: LMM Criteria. Collection method: clinical testing. Allele origin: germline. Observed: 256 variant alleles.
Comment: Phe691Phe in exon 5 of JPH2: This variant is not expected to have clinical signi ficance because it does not alter an amino acid residue and is not located withi n the splice consensus sequence. It has been identified in 44.8% (1973/4404) of African American chromosomes from a broad population by the NHLBI Exome Sequenci ng Project (dbSNP rs6093935).

GeneDx
Classification: Benign. Last evaluated: 2014-01-08. Review status: criteria provided, single submitter. Criteria: GeneDx Variant Classification (06012015). Collection method: clinical testing. Allele origin: germline. Affected: yes.
Comment: This variant is considered likely benign or benign based on one or more of the following criteria: it is a conservative change, it occurs at a poorly conserved position in the protein, it is predicted to be benign by multiple in silico algorithms, and/or has population frequency not consistent with disease.

Breakthrough Genomics
Classification: Benign. Review status: criteria provided, single submitter. Criteria: ACMG Guidelines, 2015. Collection method: not provided. Allele origin: germline. Inheritance: Autosomal recessive inheritance. Affected: yes.

Clinical Genetics, Academic Medical Center
Classification: Benign. Review status: no assertion criteria provided. Collection method: clinical testing. Allele origin: germline. Affected: yes. Study: VKGL Data-share Consensus. Not counted in ClinVar's aggregate classification.